The following is an entry in ClinVar:

ClinVar aggregate classification (germline): Benign/Likely benign. Review status: criteria provided, multiple submitters, no conflicts (2 of 4 stars). 15 submissions from 12 submitters: Benign (9); Likely benign (2). 4 of the submissions do not count toward it. Last evaluated 2026-01-12.

Conditions:
TTN-related disorder. Also called: TTN-related condition; TTN-related disease; TTN-related disorders.
Tibial muscular dystrophy (TMD). Also called: UDD MYOPATHY; Udd Distal Myopathy – Tibial Muscular Dystrophy; Tibial muscular dystrophy, tardive. Identifiers: Orphanet 609, MedGen C1838244, MONDO:0010870, OMIM 600334.
Myopathy, myofibrillar, 9, with early respiratory failure (MFM9). Also called: Hereditary myopathy with early respiratory failure; EDSTROM MYOPATHY; Myopathy, distal, with early respiratory failure, autosomal dominant; MYOPATHY, PROXIMAL, WITH EARLY RESPIRATORY MUSCLE INVOLVEMENT. Identifiers: Orphanet 178464, Orphanet 34521, MedGen C1863599, MONDO:0011362, OMIM 603689.
Autosomal recessive limb-girdle muscular dystrophy type 2J (LGMDR10). Also called: Limb-girdle muscular dystrophy, type 2J; MUSCULAR DYSTROPHY, LIMB-GIRDLE, AUTOSOMAL RECESSIVE 10. Identifiers: Orphanet 140922, MedGen C1837342, MONDO:0012127, OMIM 608807.
Early-onset myopathy with fatal cardiomyopathy (CMYO5). Also called: CONGENITAL MYOPATHY 5 WITH CARDIOMYOPATHY; Salih Myopathy. Identifiers: Orphanet 289377, MedGen C2673677, MONDO:0012714, OMIM 611705. Disease mechanism: loss of function.
Hypertrophic cardiomyopathy 9. Also called: Familial hypertrophic cardiomyopathy 9. Identifiers: MedGen C1861065, MONDO:0013412, OMIM 613765.
Dilated cardiomyopathy 1G (CMD1G). Identifiers: Orphanet 154, MedGen C1858763, MONDO:0011400, OMIM 604145.
Cardiovascular phenotype. Identifiers: MedGen CN230736.

Allele frequency attached by ClinVar (database versions not stated): gnomAD exomes 0.14079 and 0.03423; gnomAD 0.16737 and 0.17084; ExAC 0.05180; 1000 Genomes Project 0.99661.

Submissions (15):

Labcorp Genetics (formerly Invitae), Labcorp
Classification: Benign for Dilated cardiomyopathy 1G; Autosomal recessive limb-girdle muscular dystrophy type 2J. Last evaluated: 2026-01-12. Review status: criteria provided, single submitter. Criteria: Invitae Variant Classification Sherloc (09022015). Collection method: clinical testing. Allele origin: germline.

Blueprint Genetics
Classification: Benign. Last evaluated: 2024-11-26. Review status: criteria provided, single submitter. Criteria: ACMG Guidelines, 2015. Collection method: clinical testing. Allele origin: germline.

Mayo Clinic Laboratories, Mayo Clinic
Classification: Likely benign. Last evaluated: 2022-05-13. Review status: criteria provided, single submitter. Criteria: ACMG Guidelines, 2015. Collection method: clinical testing. Allele origin: germline. Observed: 218 variant alleles.

Fulgent Genetics
Classification: Benign for Tibial muscular dystrophy; Myopathy, myofibrillar, 9, with early respiratory failure; Dilated cardiomyopathy 1G; Autosomal recessive limb-girdle muscular dystrophy type 2J; Early-onset myopathy with fatal cardiomyopathy; Hypertrophic cardiomyopathy 9. Last evaluated: 2021-10-25. Review status: criteria provided, single submitter. Criteria: ACMG Guidelines, 2015. Collection method: clinical testing. Allele origin: unknown.

Genome-Nilou Lab
Classification: Benign for Autosomal recessive limb-girdle muscular dystrophy type 2J. Last evaluated: 2021-09-10. Review status: criteria provided, single submitter. Criteria: ACMG Guidelines, 2015. Collection method: clinical testing. Allele origin: germline. Affected: no.

Genome-Nilou Lab
Classification: Benign for Myopathy, myofibrillar, 9, with early respiratory failure. Last evaluated: 2021-09-10. Review status: criteria provided, single submitter. Criteria: ACMG Guidelines, 2015. Collection method: clinical testing. Allele origin: germline. Affected: no.

Genome-Nilou Lab
Classification: Benign for Early-onset myopathy with fatal cardiomyopathy. Last evaluated: 2021-09-10. Review status: criteria provided, single submitter. Criteria: ACMG Guidelines, 2015. Collection method: clinical testing. Allele origin: germline. Affected: no.

Genome-Nilou Lab
Classification: Benign for Tibial muscular dystrophy. Last evaluated: 2021-09-10. Review status: criteria provided, single submitter. Criteria: ACMG Guidelines, 2015. Collection method: clinical testing. Allele origin: germline. Affected: no.

Women's Health and Genetics/Laboratory Corporation of America, LabCorp
Classification: Benign. Last evaluated: 2019-09-20. Review status: criteria provided, single submitter. Criteria: LabCorp Variant Classification Summary - May 2015. Collection method: clinical testing. Allele origin: germline.

GeneDx
Classification: Benign. Last evaluated: 2019-08-25. Review status: criteria provided, single submitter. Criteria: GeneDx Variant Classification Process June 2021. Collection method: clinical testing. Allele origin: germline. Affected: yes.

Ambry Genetics
Classification: Likely benign for Cardiovascular phenotype. Last evaluated: 2015-11-16. Review status: criteria provided, single submitter. Criteria: Ambry Variant Classification Scheme 2023. Collection method: clinical testing. Allele origin: germline.

PreventionGenetics, part of Exact Sciences
Classification: Benign for TTN-related condition. Last evaluated: 2022-07-03. Review status: no assertion criteria provided. Collection method: clinical testing. Allele origin: germline. Not counted in ClinVar's aggregate classification.
Comment: This variant is classified as benign based on ACMG/AMP sequence variant interpretation guidelines (Richards et al. 2015 PMID: 25741868, with internal and published modifications).

Diagnostic Laboratory, Department of Genetics, University Medical Center Groningen
Classification: Benign. Review status: no assertion criteria provided. Collection method: clinical testing. Allele origin: germline. Affected: yes. Study: VKGL Data-share Consensus. Not counted in ClinVar's aggregate classification.

Joint Genome Diagnostic Labs from Nijmegen and Maastricht, Radboudumc and MUMC+
Classification: Benign. Review status: no assertion criteria provided. Collection method: clinical testing. Allele origin: germline. Affected: yes. Study: VKGL Data-share Consensus. Not counted in ClinVar's aggregate classification.

Laboratory of Diagnostic Genome Analysis, Leiden University Medical Center (LUMC)
Classification: Benign. Review status: no assertion criteria provided. Collection method: clinical testing. Allele origin: germline. Affected: yes. Study: VKGL Data-share Consensus. Not counted in ClinVar's aggregate classification.

NM_001267550.2(TTN):c.8902+16del

Gene: TTN (titin; minus strand). Cytogenetic location: 2q31.2.
Variant type: Deletion.
Coding change: c.8902+16del on transcript NM_001267550.2 (MANE Select); 16 bases into the intron after coding-DNA position 8902, one base deleted (T; older notation c.8902+16delT).
Molecular consequence: intron variant.
Genome position (GRCh38, 1-based): chr2:178,769,663, A deleted on the plus strand (T on the coding strand, the reverse complement: TTN is on the minus strand). VCF-style (leftmost placement, unchanged base first): chr2-178769662-TA-T. GRCh37 (hg19) VCF-style: chr2-179634389-TA-T.
Other names: c.8902+16del (NM_133378.4, NM_001256850.1, NM_133379.5); c.8902+16delT (NM_001256850.1, NM_001267550.2); c.8764+16del (NM_003319.4, NM_133437.4, NM_133432.3); c.8764+16delT (NM_003319.4).
Identifiers: ClinVar variation 928499 (VCV000928499.21), dbSNP rs570467105, ClinGen allele CA2004501.